The following is an entry in ClinVar:

ClinVar aggregate classification (germline): Uncertain significance (1 of 4 stars; one submission).

Conditions:
Hereditary cancer-predisposing syndrome. Also called: Neoplastic Syndromes, Hereditary; Hereditary Cancer Syndrome; Tumor predisposition; Hereditary neoplastic syndrome. Identifiers: Orphanet 140162, MedGen C0027672, MeSH D009386, MONDO:0015356.

Submission:

Ambry Genetics
Classification: Uncertain significance for Hereditary cancer-predisposing syndrome. Last evaluated: 2025-01-27. Review status: criteria provided, single submitter. Criteria: Ambry Variant Classification Scheme 2023. Collection method: clinical testing. Allele origin: germline.
Comment: The c.1097_1098insAA variant, located in coding exon 11 of the POLE gene, results from an insertion of two nucleotides at position 1097, causing a translational frameshift with a predicted alternate stop codon (p.F366Lfs*17). This alteration is expected to result in loss of function by premature protein truncation or nonsense-mediated mRNA decay. Loss-of-function variants subject to nonsense mediated decay (NMD) in POLE are known to cause POLE deficiency; however, such associations with POLE-related polymerase proofreading-associated polyposis (PPAP) have not been reported. Based on the supporting evidence, this alteration is pathogenic for POLE deficiency; however, the association of this alteration with POLE-related polymerase proofreading-associated polyposis (PPAP) is unknown.

NM_006231.4(POLE):c.1097_1098insAA (p.Phe366fs)

Gene: POLE (DNA polymerase epsilon, catalytic subunit; minus strand). Cytogenetic location: 12q24.33.
Variant type: Insertion.
Coding change: c.1097_1098insAA on transcript NM_006231.4 (MANE Select); coding-DNA positions 1097 to 1098, AA inserted.
Protein change: p.Phe366fs; shifts the reading frame from phenylalanine 366.
Molecular consequence: frameshift variant.
Genome position: GRCh38 VCF-style: chr12-132675743-A-ATT. GRCh37 (hg19) VCF-style: chr12-133252329-A-ATT.
Other names: short protein forms F366fs.
Identifiers: ClinVar variation 3781555 (VCV003781555.1).
Genomic context (GRCh38, chr12:132,675,743, plus strand): 5'-GCCCTCCCTCTCAAATGCTGCCCAGTTACTCATAGAGAAGACACAGACTCACCAGTCAAA[A>ATT]AAGTCCCCGTTGTAGGTGACCATGATGGTGGGTTTGGTCTCCTGGACGTGTTCAAACCAC-3'